The following is an entry in ClinVar:

ClinVar aggregate classification (germline): Uncertain significance (1 of 4 stars; one submission).

Submission:

Labcorp Genetics (formerly Invitae), Labcorp
Classification: Uncertain significance. Last evaluated: 2022-07-18. Review status: criteria provided, single submitter. Criteria: Invitae Variant Classification Sherloc (09022015). Collection method: clinical testing. Allele origin: germline.
Comment: In summary, the available evidence is currently insufficient to determine the role of this variant in disease. Therefore, it has been classified as a Variant of Uncertain Significance. Algorithms developed to predict the effect of missense changes on protein structure and function output the following: SIFT: "Tolerated"; PolyPhen-2: "Benign"; Align-GVGD: "Class C0". The proline amino acid residue is found in multiple mammalian species, which suggests that this missense change does not adversely affect protein function. This variant has not been reported in the literature in individuals affected with VARS2-related conditions. This variant is not present in population databases (gnomAD no frequency). This sequence change replaces serine, which is neutral and polar, with proline, which is neutral and non-polar, at codon 67 of the VARS2 protein (p.Ser67Pro).

NM_020442.6(VARS2):c.109T>C (p.Ser37Pro)

Gene: VARS2 (valyl-tRNA synthetase 2, mitochondrial; plus strand). Cytogenetic location: 6p21.33.
Variant type: single nucleotide variant.
Coding change: c.109T>C on transcript NM_020442.6 (MANE Select); coding-DNA position 109, T replaced by C.
Protein change: p.Ser37Pro; replaces serine 37 with proline.
Molecular consequence: missense variant. On other transcripts: intron variant (1).
Genome position (GRCh38, 1-based): chr6:30,914,945, T>C. VCF-style: chr6-30914945-T-C. GRCh37 (hg19) VCF-style: chr6-30882722-T-C.
Other names: c.199T>C, p.Ser67Pro (NM_001167734.2); c.-219-211T>C (NM_001167733.3); short protein forms S67P, S37P.
Identifiers: ClinVar variation 1962096 (VCV001962096.5), dbSNP rs2538619150, ClinGen allele CA363163808.